The following is an entry in ClinVar:

NM_016213.5(TRIP4):c.59T>A (p.Leu20Ter)

Gene: TRIP4 (thyroid hormone receptor interactor 4; plus strand). Cytogenetic location: 15q22.31.
Variant type: single nucleotide variant.
Coding change: c.59T>A on transcript NM_016213.5 (MANE Select); coding-DNA position 59, T replaced by A.
Protein change: p.Leu20Ter; replaces leucine 20 with a stop codon.
Molecular consequence: nonsense. On other transcripts: 5 prime UTR variant (1), non-coding transcript variant (1).
Genome position (GRCh38, 1-based): chr15:64,387,922, T>A. VCF-style: chr15-64387922-T-A. GRCh37 (hg19) VCF-style: chr15-64680121-T-A.
Other names: c.59T>A (NM_016213.4); c.-716T>A (NM_001321924.2); short protein forms L20*.
Identifiers: ClinVar variation 2715719 (VCV002715719.5), dbSNP rs768797866, ClinGen allele CA271492329.

ClinVar aggregate classification (germline): Pathogenic/Likely pathogenic. Review status: criteria provided, multiple submitters, no conflicts (2 of 4 stars). 3 submissions from 3 submitters: Pathogenic (2); Likely pathogenic (1). Last evaluated 2026-02-03.

Conditions:
TRIP4-related disorder. Also called: TRIP4-related disorders; TRIP4-related condition.

Allele frequency attached by ClinVar (database versions not stated): gnomAD 0.00001; gnomAD exomes 0.00001; TOPMed 0.00002.
gnomAD v4.1: 11 of 1,551,126 alleles (0.00071%); highest among the groups gnomAD compares: Non-Finnish European, 0.00096%; no homozygotes.

Submissions (3):

Women's Health and Genetics/Laboratory Corporation of America, LabCorp
Classification: Pathogenic for TRIP4-Related Disorders. Last evaluated: 2026-02-03. Review status: criteria provided, single submitter. Criteria: LabCorp Variant Classification Summary - May 2015. Collection method: clinical testing. Allele origin: germline.
Comment: Variant summary: TRIP4 c.59T>A (p.Leu20X) results in a premature termination codon, predicted to cause a truncation of the encoded protein or absence of the protein due to nonsense mediated decay, which are commonly known mechanisms for disease. The variant allele was found at a frequency of 6.4e-06 in 156198 control chromosomes. To our knowledge, no occurrence of c.59T>A in individuals affected with TRIP4-related conditions and no experimental evidence demonstrating its impact on protein function have been reported. ClinVar contains an entry for this variant (Variation ID: 2715719). Based on the evidence outlined above, the variant was classified as pathogenic.

PreventionGenetics, part of Exact Sciences
Classification: Likely pathogenic for TRIP4-related condition. Last evaluated: 2025-08-19. Review status: criteria provided, single submitter. Criteria: ACMG Guidelines, 2015. Collection method: clinical testing. Allele origin: germline.
Comment: The TRIP4 c.59T>A variant is predicted to result in premature protein termination (p.Leu20*). To our knowledge, this variant has not been reported in the literature. This variant is reported in 0.0016% of alleles in individuals of European (Non-Finnish) descent in gnomAD. Nonsense variants in TRIP4 are expected to be pathogenic. This variant is interpreted as likely pathogenic.

Labcorp Genetics (formerly Invitae), Labcorp
Classification: Pathogenic. Last evaluated: 2023-08-02. Review status: criteria provided, single submitter. Criteria: Invitae Variant Classification Sherloc (09022015). Collection method: clinical testing. Allele origin: germline.
Comment: For these reasons, this variant has been classified as Pathogenic. This sequence change creates a premature translational stop signal (p.Leu20*) in the TRIP4 gene. It is expected to result in an absent or disrupted protein product. Loss-of-function variants in TRIP4 are known to be pathogenic (PMID: 26924529, 27008887). The frequency data for this variant in the population databases is considered unreliable, as metrics indicate poor data quality at this position in the gnomAD database. This variant has not been reported in the literature in individuals affected with TRIP4-related conditions.

Literature cited by the submitters: PubMed 26924529 (cited by Labcorp Genetics (formerly Invitae), Labcorp); PubMed 27008887 (cited by Labcorp Genetics (formerly Invitae), Labcorp).